The following is an entry in ClinVar:

ClinVar aggregate classification (germline): Likely pathogenic (1 of 4 stars; one submission).

Conditions:
Deficiency of hydroxymethylglutaryl-CoA lyase (HMGCLD). Also called: HMGCL DEFICIENCY; HYDROXYMETHYLGLUTARIC ACIDURIA; HMG-CoA LYASE DEFICIENCY; Defect in leucine metabolism; 3-hydroxy-3-methylglutaric aciduria. Identifiers: Orphanet 20, MedGen C1533587, MONDO:0009520, OMIM 246450.

Submission:

Myriad Genetics, Inc.
Classification: Likely pathogenic for Deficiency of hydroxymethylglutaryl-CoA lyase. Last evaluated: 2019-02-17. Review status: criteria provided, single submitter. Criteria: Myriad Women's Health Autosomal Recessive and X-Linked Classification Criteria (2019). Collection method: clinical testing. Allele origin: unknown.
Comment: NM_000191.2(HMGCL):c.331A>T(K111*) is expected to be pathogenic in the context of HMG-CoA lyase deficiency. This variant is predicted to lead to an abnormal or absent protein product due to the creation of a premature termination codon in HMGCL, a gene where loss-of-function variants are known to be pathogenic. Please note: this variant was assessed in the context of healthy population screening.

NM_000191.3(HMGCL):c.331A>T (p.Lys111Ter)

Gene: HMGCL (3-hydroxy-3-methylglutaryl-CoA lyase; minus strand). Cytogenetic location: 1p36.11.
Variant type: single nucleotide variant.
Coding change: c.331A>T on transcript NM_000191.3 (MANE Select); coding-DNA position 331, A replaced by T.
Protein change: p.Lys111Ter; replaces lysine 111 with a stop codon.
Molecular consequence: nonsense.
Genome position (GRCh38, 1-based): chr1:23,816,692, T>A on the plus strand (A>T on the coding strand, the complement: HMGCL is on the minus strand). VCF-style: chr1-23816692-T-A. GRCh37 (hg19) VCF-style: chr1-24143182-T-A.
Other names: c.331A>T, p.Lys111Ter (NM_001166059.2); short protein forms K111*.
Identifiers: ClinVar variation 984177 (VCV000984177.3), dbSNP rs1638619737, ClinGen allele CA339028520.